The following is an entry in ClinVar:

ClinVar aggregate classification (germline): Uncertain significance. Review status: criteria provided, multiple submitters, no conflicts (2 of 4 stars). 2 submissions from 2 submitters: Uncertain significance (2). Last evaluated 2025-01-05.

Conditions:
Erythrocytosis, familial, 3 (ECYT3). Identifiers: Orphanet 247511, MedGen C1853286, MONDO:0012353, OMIM 609820.

gnomAD v4.1: 1 of 1,459,872 alleles (0.000068%); no homozygotes.

Submissions (2):

Ambry Genetics
Classification: Uncertain significance. Last evaluated: 2025-01-05. Review status: criteria provided, single submitter. Criteria: Ambry Variant Classification Scheme 2023. Collection method: clinical testing. Allele origin: germline.
Comment: The p.N3D variant (also known as c.7A>G), located in coding exon 1 of the EGLN1 gene, results from an A to G substitution at nucleotide position 7. The asparagine at codon 3 is replaced by aspartic acid, an amino acid with highly similar properties. This amino acid position is conserved. In addition, this alteration is predicted to be tolerated by in silico analysis. Since supporting evidence is limited at this time, the clinical significance of this alteration remains unclear.

Labcorp Genetics (formerly Invitae), Labcorp
Classification: Uncertain significance for Erythrocytosis, familial, 3. Last evaluated: 2024-11-04. Review status: criteria provided, single submitter. Criteria: Invitae Variant Classification Sherloc (09022015). Collection method: clinical testing. Allele origin: germline.
Comment: This sequence change replaces asparagine, which is neutral and polar, with aspartic acid, which is acidic and polar, at codon 3 of the EGLN1 protein (p.Asn3Asp). This variant is not present in population databases (gnomAD no frequency). This variant has not been reported in the literature in individuals affected with EGLN1-related conditions. ClinVar contains an entry for this variant (Variation ID: 2457294). An algorithm developed to predict the effect of missense changes on protein structure and function (PolyPhen-2) suggests that this variant is likely to be tolerated. In summary, the available evidence is currently insufficient to determine the role of this variant in disease. Therefore, it has been classified as a Variant of Uncertain Significance.

NM_022051.3(EGLN1):c.7A>G (p.Asn3Asp)

Gene: EGLN1 (egl-9 family hypoxia inducible factor 1; minus strand). Cytogenetic location: 1q42.2.
Variant type: single nucleotide variant.
Coding change: c.7A>G on transcript NM_022051.3 (MANE Select); coding-DNA position 7, A replaced by G.
Protein change: p.Asn3Asp; replaces asparagine 3 with aspartic acid.
Molecular consequence: missense variant.
Genome position (GRCh38, 1-based): chr1:231,421,882, T>C on the plus strand (A>G on the coding strand, the complement: EGLN1 is on the minus strand). VCF-style: chr1-231421882-T-C. GRCh37 (hg19) VCF-style: chr1-231557628-T-C.
Other names: c.7A>G, p.Asn3Asp (NM_001377260.1, NM_001377261.1); short protein forms N3D.
Identifiers: ClinVar variation 2457294 (VCV002457294.5), dbSNP rs2527362460, ClinGen allele CA345239655.